The following is an entry in ClinVar:

ClinVar aggregate classification (germline): Uncertain significance (1 of 4 stars; one submission).

Submission:

GeneDx
Classification: Uncertain significance. Last evaluated: 2021-04-09. Review status: criteria provided, single submitter. Criteria: GeneDx Variant Classification Process June 2021. Collection method: clinical testing. Allele origin: germline. Affected: yes.
Comment: Not observed in large population cohorts (Lek et al., 2016); In silico analysis supports that this missense variant has a deleterious effect on protein structure/function; Has not been previously published as pathogenic or benign to our knowledge

NM_000430.4(PAFAH1B1):c.353C>G (p.Pro118Arg)

Gene: PAFAH1B1 (platelet activating factor acetylhydrolase 1b regulatory subunit 1; plus strand). Cytogenetic location: 17p13.3.
Variant type: single nucleotide variant.
Coding change: c.353C>G on transcript NM_000430.4 (MANE Select); coding-DNA position 353, C replaced by G.
Protein change: p.Pro118Arg; replaces proline 118 with arginine.
Molecular consequence: missense variant.
Genome position (GRCh38, 1-based): chr17:2,667,152, C>G. VCF-style: chr17-2667152-C-G. GRCh37 (hg19) VCF-style: chr17-2570446-C-G.
Other names: short protein forms P118R.
Identifiers: ClinVar variation 1314572 (VCV001314572.2), dbSNP rs2151661052, ClinGen allele CA397639055.